The following is an entry in ClinVar:

ClinVar aggregate classification (germline): Uncertain significance. Review status: criteria provided, multiple submitters, no conflicts (2 of 4 stars). 2 submissions from 2 submitters: Uncertain significance (2). Last evaluated 2023-08-16.

Conditions:
RYR1-related disorder. Also called: RYR1-related condition; RYR1-related disorders. Identifiers: MedGen CN239331.
Malignant hyperthermia, susceptibility to, 1 (MHS1). Also called: Anesthesia related hyperthermia; Malignant hyperpyrexia; Fulminating hyperpyrexia; Pharmacogenic myopathy; RYR1-Related Malignant Hyperthermia Susceptibility; Malignant hyperthermia suceptibility 1. Identifiers: Orphanet 423, MedGen C2930980, MONDO:0007783, OMIM 145600.

Allele frequency attached by ClinVar (database versions not stated): gnomAD exomes below 0.00001; TOPMed below 0.00001.
gnomAD v4.1: 2 of 1,611,156 alleles (0.00012%); highest among the groups gnomAD compares: Middle Eastern, 0.017%; no homozygotes.

Submissions (2):

Color Diagnostics, LLC DBA Color Health
Classification: Uncertain significance for Malignant hyperthermia, susceptibility to, 1. Last evaluated: 2023-08-16. Review status: criteria provided, single submitter. Criteria: ACMG Guidelines, 2015. Collection method: clinical testing. Allele origin: germline.
Comment: This variant causes a G to A nucleotide substitution at the +3 position of intron 3 of the RYR1 gene. To our knowledge, functional studies have not been reported for this variant. This variant has not been reported in individuals affected with RYR1-related disorders in the literature. This variant has not been identified in the general population by the Genome Aggregation Database (gnomAD). The available evidence is insufficient to determine the role of this variant in disease conclusively. Therefore, this variant is classified as a Variant of Uncertain Significance.

Labcorp Genetics (formerly Invitae), Labcorp
Classification: Uncertain significance for RYR1-related disorder. Last evaluated: 2022-07-15. Review status: criteria provided, single submitter. Criteria: Invitae Variant Classification Sherloc (09022015). Collection method: clinical testing. Allele origin: germline.
Comment: This sequence change falls in intron 3 of the RYR1 gene. It does not directly change the encoded amino acid sequence of the RYR1 protein. It affects a nucleotide within the consensus splice site. This variant is not present in population databases (gnomAD no frequency). This variant has not been reported in the literature in individuals affected with RYR1-related conditions. Variants that disrupt the consensus splice site are a relatively common cause of aberrant splicing (PMID: 17576681, 9536098). Algorithms developed to predict the effect of sequence changes on RNA splicing suggest that this variant is not likely to affect RNA splicing. In summary, the available evidence is currently insufficient to determine the role of this variant in disease. Therefore, it has been classified as a Variant of Uncertain Significance.

Literature cited by the submitters: PubMed 17576681 (cited by Labcorp Genetics (formerly Invitae), Labcorp); PubMed 9536098 (cited by Labcorp Genetics (formerly Invitae), Labcorp).

NM_000540.3(RYR1):c.270+3G>A

Gene: RYR1 (ryanodine receptor 1; plus strand). Cytogenetic location: 19q13.2.
Variant type: single nucleotide variant.
Coding change: c.270+3G>A on transcript NM_000540.3 (MANE Select); 3 bases into the intron after coding-DNA position 270, G replaced by A.
Molecular consequence: intron variant.
Genome position (GRCh38, 1-based): chr19:38,442,456, G>A. VCF-style: chr19-38442456-G-A. GRCh37 (hg19) VCF-style: chr19-38933096-G-A.
Other names: c.270+3G>A (NM_001042723.2).
Identifiers: ClinVar variation 2055924 (VCV002055924.2), dbSNP rs1404970638, ClinGen allele CA882051779.